The following is an entry in ClinVar:

ClinVar aggregate classification (germline): Benign. Review status: criteria provided, multiple submitters, no conflicts (2 of 4 stars). 2 submissions from 2 submitters: Benign (2). Last evaluated 2016-03-28.

Allele frequency attached by ClinVar (database versions not stated): TOPMed 0.04322; 1000 Genomes Project 30x 0.05091; 1000 Genomes Project 0.05132; gnomAD exomes 0.05452; ExAC 0.05729; ESP Exome Variant Server 0.04313.
gnomAD v4.1: 90,164 of 1,613,722 alleles (5.6%); highest among the groups gnomAD compares: South Asian, 11%; 2,878 homozygotes.

Submissions (2):

Laboratory for Molecular Medicine, Mass General Brigham Personalized Medicine
Classification: Benign. Last evaluated: 2016-03-28. Review status: criteria provided, single submitter. Criteria: LMM Criteria. Collection method: clinical testing. Allele origin: germline.
Comment: Variant identified in a genome or exome case(s) and assessed due to predicted null impact of the variant or pathogenic assertions in the literature or databases. Disclaimer: This variant has not undergone full assessment. The following are preliminary notes: MAF

Breakthrough Genomics
Classification: Benign. Review status: criteria provided, single submitter. Criteria: ACMG Guidelines, 2015. Collection method: not provided. Allele origin: germline. Inheritance: Unknown mechanism. Affected: yes.

NM_001725.3(BPI):c.575C>T (p.Ala192Val)

Gene: BPI (bactericidal permeability increasing protein; plus strand). Cytogenetic location: 20q11.23.
Variant type: single nucleotide variant.
Coding change: c.575C>T on transcript NM_001725.3 (MANE Select); coding-DNA position 575, C replaced by T.
Protein change: p.Ala192Val; replaces alanine 192 with valine.
Molecular consequence: missense variant.
Genome position (GRCh38, 1-based): chr20:38,311,912, C>T. VCF-style: chr20-38311912-C-T. GRCh37 (hg19) VCF-style: chr20-36940314-C-T.
Other names: short protein forms A196V, A192V.
Identifiers: ClinVar variation 402433 (VCV000402433.5), dbSNP rs5743509, ClinGen allele CA9852180.
Genomic context (GRCh38, chr20:38,311,912, plus strand): 5'-GTCCCTACTTGTTCATCTCTAGGTGGCTGATCCAACTCTTCCACAAAAAAATTGAGTCTG[C>T]GCTTCGAAACAAGATGAACAGCCAGGTAGGAGGGGCTCAGAGCCCCATCAGCAAACAGAG-3'
Protein context (NP_001716.3, residues 182-202): IQLFHKKIES[Ala192Val]LRNKMNSQVC